The following is an entry in ClinVar:

ClinVar aggregate classification (germline): Uncertain significance (1 of 4 stars; one submission).

Submission:

Labcorp Genetics (formerly Invitae), Labcorp
Classification: Uncertain significance. Last evaluated: 2022-03-13. Review status: criteria provided, single submitter. Criteria: Invitae Variant Classification Sherloc (09022015). Collection method: clinical testing. Allele origin: germline.
Comment: This sequence change replaces alanine, which is neutral and non-polar, with serine, which is neutral and polar, at codon 231 of the PRDM13 protein (p.Ala231Ser). This variant is not present in population databases (gnomAD no frequency). This variant has not been reported in the literature in individuals affected with PRDM13-related conditions. Algorithms developed to predict the effect of missense changes on protein structure and function are either unavailable or do not agree on the potential impact of this missense change (SIFT: "Deleterious"; PolyPhen-2: "Benign"; Align-GVGD: "Class C15"). In summary, the available evidence is currently insufficient to determine the role of this variant in disease. Therefore, it has been classified as a Variant of Uncertain Significance.

NM_021620.4(PRDM13):c.691G>T (p.Ala231Ser)

Gene: PRDM13 (PR/SET domain 13; plus strand). Cytogenetic location: 6q16.2.
Variant type: single nucleotide variant.
Coding change: c.691G>T on transcript NM_021620.4 (MANE Select); coding-DNA position 691, G replaced by T.
Protein change: p.Ala231Ser; replaces alanine 231 with serine.
Molecular consequence: missense variant.
Genome position (GRCh38, 1-based): chr6:99,613,326, G>T. VCF-style: chr6-99613326-G-T. GRCh37 (hg19) VCF-style: chr6-100061202-G-T.
Other names: short protein forms A231S.
Identifiers: ClinVar variation 2108315 (VCV002108315.4), dbSNP rs2538544951, ClinGen allele CA365115950.
Genomic context (GRCh38, chr6:99,613,326, plus strand): 5'-CACCCCCTGGGCCCGCCACCAGTTCAGGCCTGCGGTGCGCGGGAGGGCATCAAGCGCGAG[G>T]CCTCTTCCGCGCCCTCGGCCACCTCGCCGACCCCAGGCAAGTGGGGGCAGCCCAAGAAGG-3'
Protein context (NP_067633.2, residues 221-241): CGAREGIKRE[Ala231Ser]SSAPSATSPT